The following is an entry in ClinVar:

ClinVar aggregate classification (germline): Likely benign (1 of 4 stars; one submission).

Allele frequency attached by ClinVar (database versions not stated): TOPMed 0.00463; gnomAD 0.00561 and 0.00599; 1000 Genomes Project 30x 0.00625; 1000 Genomes Project 0.00679.
gnomAD v4.1: 898 of 152,154 alleles (0.59%); highest among the groups gnomAD compares: South Asian, 1.9%; 3 homozygotes.

Submission:

GeneDx
Classification: Likely benign. Last evaluated: 2018-06-14. Review status: criteria provided, single submitter. Criteria: GeneDx Variant Classification (06012015). Collection method: clinical testing. Allele origin: germline. Affected: yes.
Comment: This variant is considered likely benign or benign based on one or more of the following criteria: it is a conservative change, it occurs at a poorly conserved position in the protein, it is predicted to be benign by multiple in silico algorithms, and/or has population frequency not consistent with disease.

NM_001098511.3(KIF2A):c.558+217G>C

Gene: KIF2A (kinesin family member 2A; plus strand). Cytogenetic location: 5q12.1.
Variant type: single nucleotide variant.
Coding change: c.558+217G>C on transcript NM_001098511.3 (MANE Select); 217 bases into the intron after coding-DNA position 558, G replaced by C.
Molecular consequence: intron variant.
Genome position (GRCh38, 1-based): chr5:62,353,592, G>C. VCF-style: chr5-62353592-G-C. GRCh37 (hg19) VCF-style: chr5-61649419-G-C.
Other names: c.477+217G>C (NM_001243952.2); c.558+217G>C (NM_004520.5); c.501+217G>C (NM_001243953.2).
Identifiers: ClinVar variation 677295 (VCV000677295.1), dbSNP rs41268417, ClinGen allele CA120080850.